The following is an entry in ClinVar:

NM_001257096.2(PAX1):c.1169_1173dup (p.Pro392fs)

Gene: PAX1 (paired box 1; plus strand). Cytogenetic location: 20p11.22.
Variant type: Duplication.
Coding change: c.1169_1173dup on transcript NM_001257096.2 (MANE Select); coding-DNA positions 1169 to 1173, 5 bases duplicated (GCCCG; older notation c.1169_1173dupGCCCG).
Protein change: p.Pro392fs; shifts the reading frame from proline 392.
Molecular consequence: frameshift variant.
Genome position (GRCh38, 1-based): chr20:21,709,331-21,709,335, GCCCG duplicated; duplicating any 5 consecutive bases within chr20:21,709,330-21,709,335 gives the same sequence; the c. name uses the placement nearest the transcript's 3' end. VCF-style (leftmost placement, unchanged base first): chr20-21709329-G-GGGCCC. GRCh37 (hg19) VCF-style: chr20-21689967-G-GGGCCC.
Other names: c.1173_1174insGCCCG (NM_006192.4); c.1169_1173dup, p.Pro392fs (NM_006192.5); c.1169_1173dupGCCCG (NM_006192.4); short protein forms P392fs.
Identifiers: ClinVar variation 522604 (VCV000522604.5), dbSNP rs1555804780, ClinGen allele CA658799348.
Genomic context (GRCh38, chr20:21,709,329, plus strand): 5'-CTACCCGGCCTCCAACCAGCACGGCGTGTACAGCGCCCCGGGCGGCGGCTACCTCGCCCC[G>GGGCCC]GGCCCGCCGTGGCCGCCTGCGCAAGGTCCTCCTCTGGCGCCCCCCGGGGCCGGCGTAGCT-3'

ClinVar aggregate classification (germline): Likely pathogenic. Review status: criteria provided, single submitter (1 of 4 stars). 2 submissions from 2 submitters: Likely pathogenic (1). 1 of the submissions does not count toward it. Last evaluated 2017-01-01.

Conditions:
Otofaciocervical syndrome 2 (OTFCS2). Also called: OTOFACIOCERVICAL SYNDROME 2, WITH T-CELL DEFICIENCY. Identifiers: MedGen C5442121, MONDO:0014254, OMIM 615560.

Submissions (2):

Diagnostics Division, CENTRE FOR DNA FINGERPRINTING AND DIAGNOSTICS
Classification: Likely pathogenic for Otofaciocervical syndrome 2. Last evaluated: 2017-01-01. Review status: criteria provided, single submitter. Criteria: ACMG Guidelines, 2015. Collection method: research. Allele origin: germline. Affected: yes. Observed: 1 homozygote.
Comment: Insertion variant

OMIM
Classification: Pathogenic for OTOFACIOCERVICAL SYNDROME 2. Last evaluated: 2019-12-26. Review status: no assertion criteria provided. Collection method: literature only. Allele origin: germline. Not counted in ClinVar's aggregate classification.

Literature cited by the submitters: PubMed 29681087 (cited by OMIM).